The following is an entry in ClinVar:

ClinVar aggregate classification (germline): Uncertain significance. Review status: criteria provided, multiple submitters, no conflicts (2 of 4 stars). 4 submissions from 4 submitters: Uncertain significance (4). Last evaluated 2025-01-23.

Conditions:
Tuberous sclerosis 2 (TSC2). Identifiers: Orphanet 805, MedGen C1860707, MONDO:0013199, OMIM 613254.
Hereditary cancer-predisposing syndrome. Also called: Hereditary neoplastic syndrome; Hereditary Cancer Syndrome; Neoplastic Syndromes, Hereditary; Tumor predisposition. Identifiers: Orphanet 140162, MedGen C0027672, MeSH D009386, MONDO:0015356.
Tuberous sclerosis syndrome (TSC). Also called: Tuberous Sclerosis Complex; Tuberous sclerosis. Identifiers: Orphanet 805, MedGen C0041341, MONDO:0001734.

gnomAD v4.1: 1 of 1,613,020 alleles (0.000062%); highest among the groups gnomAD compares: Non-Finnish European, 0.000085%; no homozygotes.

Submissions (4):

Labcorp Genetics (formerly Invitae), Labcorp
Classification: Uncertain significance for Tuberous sclerosis 2. Last evaluated: 2025-01-23. Review status: criteria provided, single submitter. Criteria: Invitae Variant Classification Sherloc (09022015). Collection method: clinical testing. Allele origin: germline.
Comment: This sequence change replaces glutamic acid, which is acidic and polar, with aspartic acid, which is acidic and polar, at codon 1167 of the TSC2 protein (p.Glu1167Asp). This variant is not present in population databases (gnomAD no frequency). This variant has not been reported in the literature in individuals affected with TSC2-related conditions. ClinVar contains an entry for this variant (Variation ID: 1370815). Invitae Evidence Modeling of protein sequence and biophysical properties (such as structural, functional, and spatial information, amino acid conservation, physicochemical variation, residue mobility, and thermodynamic stability) indicates that this missense variant is not expected to disrupt TSC2 protein function with a negative predictive value of 95%. In summary, the available evidence is currently insufficient to determine the role of this variant in disease. Therefore, it has been classified as a Variant of Uncertain Significance.

Ambry Genetics
Classification: Uncertain significance for Hereditary cancer-predisposing syndrome. Last evaluated: 2024-09-24. Review status: criteria provided, single submitter. Criteria: Ambry Variant Classification Scheme 2023. Collection method: clinical testing. Allele origin: germline.
Comment: The p.E1167D variant (also known as c.3501G>C), located in coding exon 29 of the TSC2 gene, results from a G to C substitution at nucleotide position 3501. The glutamic acid at codon 1167 is replaced by aspartic acid, an amino acid with highly similar properties. This amino acid position is well conserved in available vertebrate species. In addition, the in silico prediction for this alteration is inconclusive. Based on the available evidence, the clinical significance of this variant remains unclear.

All of Us Research Program, National Institutes of Health
Classification: Uncertain significance for Tuberous sclerosis syndrome. Last evaluated: 2023-06-08. Review status: criteria provided, single submitter. Criteria: ACMG Guidelines, 2015. Collection method: clinical testing. Allele origin: germline. Inheritance: Autosomal dominant inheritance. Observed: 1 variant allele, 1 heterozygote.
Comment: This missense variant replaces glutamic acid with aspartic acid at codon 1167 of the TSC2 protein. Computational prediction suggests that this variant may not impact protein structure and function (internally defined REVEL score threshold <= 0.5, PMID: 27666373). To our knowledge, functional studies have not been reported for this variant. This variant has not been reported in individuals affected with TSC2-related disorders in the literature. This variant has not been identified in the general population by the Genome Aggregation Database (gnomAD). The available evidence is insufficient to determine the role of this variant in disease conclusively. Therefore, this variant is classified as a Variant of Uncertain Significance.

This study involves interpretation of variants in research participants for the purpose of population health screening. Participant phenotype was not available at the time of variant classification. Additional details can be found in publication PMID: 35346344, PMCID: PMC8962531

Color Diagnostics, LLC DBA Color Health
Classification: Uncertain significance for Tuberous sclerosis syndrome. Last evaluated: 2023-04-19. Review status: criteria provided, single submitter. Criteria: ACMG Guidelines, 2015. Collection method: clinical testing. Allele origin: germline.
Comment: This missense variant replaces glutamic acid with aspartic acid at codon 1167 of the TSC2 protein. Computational prediction suggests that this variant may not impact protein structure and function (internally defined REVEL score threshold <= 0.5, PMID: 27666373). To our knowledge, functional studies have not been reported for this variant. This variant has not been reported in individuals affected with TSC2-related disorders in the literature. This variant has not been identified in the general population by the Genome Aggregation Database (gnomAD). The available evidence is insufficient to determine the role of this variant in disease conclusively. Therefore, this variant is classified as a Variant of Uncertain Significance.

NM_000548.5(TSC2):c.3501G>C (p.Glu1167Asp)

Gene: TSC2 (TSC complex subunit 2; plus strand). Cytogenetic location: 16p13.3.
Variant type: single nucleotide variant.
Coding change: c.3501G>C on transcript NM_000548.5 (MANE Select); coding-DNA position 3501, G replaced by C.
Protein change: p.Glu1167Asp; replaces glutamic acid 1167 with aspartic acid.
Molecular consequence: missense variant.
Genome position (GRCh38, 1-based): chr16:2,080,268, G>C. VCF-style: chr16-2080268-G-C. GRCh37 (hg19) VCF-style: chr16-2130269-G-C.
Other names: c.3369G>C, p.Glu1123Asp (NM_001077183.3, NM_001370404.1); c.3501G>C, p.Glu1167Asp (NM_001114382.3); c.3261G>C, p.Glu1087Asp (NM_001318827.2); c.3225G>C, p.Glu1075Asp (NM_001318829.2); c.2769G>C, p.Glu923Asp (NM_001318831.2); c.3402G>C, p.Glu1134Asp (NM_001318832.2); c.3372G>C, p.Glu1124Asp (NM_001363528.2, NM_001370405.1, NM_021055.3); short protein forms E1087D, E1124D, E1123D, E1134D, E1167D, E923D, E1075D.
Identifiers: ClinVar variation 1370815 (VCV001370815.12), dbSNP rs2151459095, ClinGen allele CA394289195.
Genomic context (GRCh38, chr16:2,080,268, plus strand): 5'-CCAGTTCCTGGGCAGTGCCACTTCTCCAGGACCACGGACTGCACCAGCCGCGAAACCTGA[G>C]AAGGCCTCAGCTGGCACCCGGGTTCCTGTGCAGGAGAAGACGAACCTGGCGGCCTATGTG-3'
Protein context (NP_000539.2, residues 1157-1177): GPRTAPAAKP[Glu1167Asp]KASAGTRVPV